The following is an entry in ClinVar:

ClinVar aggregate classification (germline): Benign/Likely benign. Review status: criteria provided, multiple submitters, no conflicts (2 of 4 stars). 11 submissions from 10 submitters: Benign (7); Likely benign (3). 1 of the submissions does not count toward it. Last evaluated 2026-02-04.

Conditions:
Long chain 3-hydroxyacyl-CoA dehydrogenase deficiency. Also called: LCHAD Deficiency; Deficiency of long-chain 3-hydroxyacyl-coenzyme A dehydrogenase. Identifiers: Orphanet 5, MedGen C3711645, MONDO:0012173, OMIM 609016.
Mitochondrial trifunctional protein deficiency. Identifiers: Orphanet 746, MedGen C1969443, MONDO:0012172.

Allele frequency attached by ClinVar (database versions not stated): gnomAD exomes 0.00624; ExAC 0.00755; gnomAD 0.02071 and 0.02193; ESP Exome Variant Server 0.02276; TOPMed 0.02356; 1000 Genomes Project 0.02835; 1000 Genomes Project 30x 0.03014.
gnomAD v4.1: 6,658 of 1,540,490 alleles (0.43%); highest among the groups gnomAD compares: African/African-American, 7.1%; 212 homozygotes.

Submissions (11):

Labcorp Genetics (formerly Invitae), Labcorp
Classification: Benign for Mitochondrial trifunctional protein deficiency; Long chain 3-hydroxyacyl-CoA dehydrogenase deficiency. Last evaluated: 2026-02-04. Review status: criteria provided, single submitter. Criteria: Invitae Variant Classification Sherloc (09022015). Collection method: clinical testing. Allele origin: germline.

ARUP Laboratories, Molecular Genetics and Genomics, ARUP Laboratories
Classification: Benign. Last evaluated: 2025-02-27. Review status: criteria provided, single submitter. Criteria: ARUP Molecular Germline Variant Investigation Process 2024. Collection method: clinical testing. Allele origin: germline.

Mayo Clinic Laboratories, Mayo Clinic
Classification: Benign. Last evaluated: 2021-04-22. Review status: criteria provided, single submitter. Criteria: ACMG Guidelines, 2015. Collection method: clinical testing. Allele origin: germline. Observed: 58 variant alleles.

Women's Health and Genetics/Laboratory Corporation of America, LabCorp
Classification: Benign. Last evaluated: 2018-07-12. Review status: criteria provided, single submitter. Criteria: LabCorp Variant Classification Summary - May 2015. Collection method: clinical testing. Allele origin: germline.
Comment: Variant summary: HADHA c.1072C>A (p.Gln358Lys) results in a conservative amino acid change in the encoded protein sequence. Five of five in-silico tools predict a benign effect of the variant on protein function. The variant allele was found at a frequency of 0.0076 in 277056 control chromosomes in the gnomAD database, including 67 homozygotes. The observed variant frequency is approximately 4 fold of the estimated maximal expected allele frequency for a pathogenic variant in HADHA causing Long Chain 3-Hydroxyacyl-CoA Dehydrogenase Deficiency phenotype (0.0019), strongly suggesting that the variant is benign. The variant c.1072C>A has been reported in the literature in an individual affected with mitochondrial trifunctional protein deficiency, however other variants were also present in this patient that could explain the observed phenotype (Djouadi 2016). To our knowledge, no experimental evidence demonstrating an impact on protein function has been reported. Four clinical diagnostic laboratories have submitted clinical-significance assessments for this variant to ClinVar after 2014 without evidence for independent evaluation. All laboratories classified the variant as benign/likely benign. Based on the evidence outlined above, the variant was classified as benign.

Illumina Laboratory Services, Illumina
Classification: Likely benign for Long chain 3-hydroxyacyl-CoA dehydrogenase deficiency. Last evaluated: 2017-04-27. Review status: criteria provided, single submitter. Criteria: ICSL Variant Classification Criteria 13 December 2019. Collection method: clinical testing. Allele origin: germline.
Comment: This variant was observed as part of a predisposition screen in an ostensibly healthy population. A literature search was performed for the gene, cDNA change, and amino acid change (where applicable). No publications were found based on this search. Allele frequency data from public databases allowed determination this variant is unlikely to cause disease. Therefore, this variant is classified as likely benign.

Illumina Laboratory Services, Illumina
Classification: Likely benign for Mitochondrial trifunctional protein deficiency 1. Last evaluated: 2017-04-27. Review status: criteria provided, single submitter. Criteria: ICSL Variant Classification Criteria 13 December 2019. Collection method: clinical testing. Allele origin: germline.
Comment: the same text as in the submission from Illumina Laboratory Services, Illumina above.

Eurofins Ntd Llc (ga)
Classification: Benign. Last evaluated: 2017-01-24. Review status: criteria provided, single submitter. Criteria: EGL Classification Definitions 2015. Collection method: clinical testing. Allele origin: germline. Observed: 1 variant allele, 1 heterozygote.

Center for Pediatric Genomic Medicine, Children's Mercy Hospital and Clinics
Classification: Benign. Last evaluated: 2016-04-25. Review status: criteria provided, single submitter. Criteria: ACMG Guidelines, 2015. Collection method: clinical testing. Allele origin: germline.

GeneDx
Classification: Benign. Last evaluated: 2015-03-03. Review status: criteria provided, single submitter. Criteria: GeneDx Variant Classification Process June 2021. Collection method: clinical testing. Allele origin: germline. Affected: yes.
Comment: This variant is associated with the following publications: (PMID: 15533621, 21228398, 20981092)

Breakthrough Genomics
Classification: Likely benign. Review status: criteria provided, single submitter. Criteria: ACMG Guidelines, 2015. Collection method: not provided. Allele origin: germline. Inheritance: Autosomal recessive inheritance. Affected: yes.

Natera, Inc.
Classification: Benign for Deficiency of long-chain 3-hydroxyacyl-coenzyme A dehydrogenase. Last evaluated: 2020-09-16. Review status: no assertion criteria provided. Collection method: clinical testing. Allele origin: germline. Not counted in ClinVar's aggregate classification.

Literature cited by the submitters: PubMed 26109258 (cited by Women's Health and Genetics/Laboratory Corporation of America, LabCorp).

NM_000182.5(HADHA):c.1072C>A (p.Gln358Lys)

Gene: HADHA (hydroxyacyl-CoA dehydrogenase trifunctional multienzyme complex subunit alpha; minus strand). Cytogenetic location: 2p23.3.
Variant type: single nucleotide variant.
Coding change: c.1072C>A on transcript NM_000182.5 (MANE Select); coding-DNA position 1072, C replaced by A.
Protein change: p.Gln358Lys; replaces glutamine 358 with lysine.
Molecular consequence: missense variant.
Genome position (GRCh38, 1-based): chr2:26,209,793, G>T on the plus strand (C>A on the coding strand, the complement: HADHA is on the minus strand). VCF-style: chr2-26209793-G-T. GRCh37 (hg19) VCF-style: chr2-26432662-G-T.
Other names: short protein forms Q358K.
Identifiers: ClinVar variation 235806 (VCV000235806.28), dbSNP rs2229420, ClinGen allele CA1559683.